The following is an entry in ClinVar:

NM_000051.4(ATM):c.4405del (p.Ile1469fs)

Gene: ATM (ATM serine/threonine kinase; plus strand). Cytogenetic location: 11q22.3.
Variant type: Deletion.
Coding change: c.4405del on transcript NM_000051.4 (MANE Select); coding-DNA position 4405, one base deleted (A; older notation c.4405delA).
Protein change: p.Ile1469fs; shifts the reading frame from isoleucine 1469.
Molecular consequence: frameshift variant.
Genome position (GRCh38, 1-based): chr11:108,289,770, A deleted. VCF-style (leftmost placement, unchanged base first): chr11-108289769-TA-T. GRCh37 (hg19) VCF-style: chr11-108160496-TA-T.
Other names: c.4405del, p.Ile1469fs (NM_001351834.2); c.4405delA (NM_000051.3); short protein forms I1469fs.
Identifiers: ClinVar variation 280796 (VCV000280796.2), dbSNP rs886041938, ClinGen allele CA10603089.

ClinVar aggregate classification (germline): Pathogenic/Likely pathogenic. Review status: criteria provided, multiple submitters, no conflicts (2 of 4 stars). 2 submissions from 2 submitters: Pathogenic (1); Likely pathogenic (1). Last evaluated 2025-09-03.

Conditions:
Hereditary cancer-predisposing syndrome. Also called: Hereditary Cancer Syndrome; Tumor predisposition; Neoplastic Syndromes, Hereditary; Hereditary neoplastic syndrome. Identifiers: Orphanet 140162, MedGen C0027672, MeSH D009386, MONDO:0015356.

Submissions (2):

Ambry Genetics
Classification: Pathogenic for Hereditary cancer-predisposing syndrome. Last evaluated: 2025-09-03. Review status: criteria provided, single submitter. Criteria: Ambry Variant Classification Scheme 2023. Collection method: clinical testing. Allele origin: germline.
Comment: The c.4405delA pathogenic mutation, located in coding exon 28 of the ATM gene, results from a deletion of one nucleotide at nucleotide position 4405, causing a translational frameshift with a predicted alternate stop codon (p.I1469Ffs*4). This variant is considered to be rare based on population cohorts in the Genome Aggregation Database (gnomAD). This alteration is expected to result in loss of function by premature protein truncation or nonsense-mediated mRNA decay. As such, this alteration is interpreted as a disease-causing mutation.

GeneDx
Classification: Likely pathogenic. Last evaluated: 2016-08-17. Review status: criteria provided, single submitter. Criteria: GeneDx Variant Classification (06012015). Collection method: clinical testing. Allele origin: germline. Affected: yes.
Comment: This deletion of one nucleotide in ATM is denoted c.4405delA at the cDNA level and p.Ile1469PhefsX4 (I1469FfsX4) at the protein level. The normal sequence, with the base that is deleted in braces, is CGTT[A]TTTA. The deletion causes a frameshift which changes an Isoleucine to a Phenylalanine at codon 1469, and creates a premature stop codon at position 4 of the new reading frame. Although this variant has not, to our knowledge, been reported in the literature, it is predicted to cause loss of normal protein function through either protein truncation or nonsense-mediated mRNA decay. Based on the currently available information, we consider this deletion to be a likely pathogenic variant.